The following is an entry in ClinVar:

NM_005502.4(ABCA1):c.2365T>A (p.Phe789Ile)

Gene: ABCA1 (ATP binding cassette subfamily A member 1; minus strand). Cytogenetic location: 9q31.1.
Variant type: single nucleotide variant.
Coding change: c.2365T>A on transcript NM_005502.4 (MANE Select); coding-DNA position 2365, T replaced by A.
Protein change: p.Phe789Ile; replaces phenylalanine 789 with isoleucine.
Molecular consequence: missense variant.
Genome position (GRCh38, 1-based): chr9:104,825,860, A>T on the plus strand (T>A on the coding strand, the complement: ABCA1 is on the minus strand). VCF-style: chr9-104825860-A-T. GRCh37 (hg19) VCF-style: chr9-107588141-A-T.
Other names: short protein forms F789I.
Identifiers: ClinVar variation 3833597 (VCV003833597.1).

ClinVar aggregate classification (germline): Uncertain significance (1 of 4 stars; one submission).

Conditions:
Cardiovascular phenotype. Identifiers: MedGen CN230736.

Submission:

Ambry Genetics
Classification: Uncertain significance for Cardiovascular phenotype. Last evaluated: 2025-01-31. Review status: criteria provided, single submitter. Criteria: Ambry Variant Classification Scheme 2023. Collection method: clinical testing. Allele origin: germline.
Comment: The p.F789I variant (also known as c.2365T>A), located in coding exon 16 of the ABCA1 gene, results from a T to A substitution at nucleotide position 2365. The phenylalanine at codon 789 is replaced by isoleucine, an amino acid with highly similar properties. This amino acid position is conserved. In addition, the in silico prediction for this alteration is inconclusive. Based on the available evidence, the clinical significance of this variant remains unclear.